The following is an entry in ClinVar:

ClinVar aggregate classification (germline): Pathogenic. Review status: criteria provided, multiple submitters, no conflicts (2 of 4 stars). 2 submissions from 2 submitters: Pathogenic (2). Last evaluated 2021-07-06.

Conditions:
Deafness-lymphedema-leukemia syndrome. Also called: Lymphedema, primary, with myelodysplasia; Emberger syndrome. Identifiers: Orphanet 3226, MedGen C3279664, MONDO:0013540, OMIM 614038.
GATA2 deficiency with susceptibility to MDS/AML. Identifiers: MedGen CN300066, MONDO:0042982.

Submissions (2):

Molecular Pathology Research Laboratory, SA Pathology
Classification: Pathogenic for GATA2 deficiency with susceptibility to MDS/AML; Deafness-lymphedema-leukemia syndrome. Last evaluated: 2021-07-06. Review status: criteria provided, single submitter. Criteria: ACMG Guidelines, 2015. Collection method: curation. Allele origin: germline. Inheritance: Autosomal dominant inheritance. Affected: yes. Observed: 1 variant allele.
Comment: PVS1, PS4_Supporting, PM2

CeGaT Center for Human Genetics Tuebingen
Classification: Pathogenic. Last evaluated: 2020-10-01. Review status: criteria provided, single submitter. Criteria: CeGaT Center For Human Genetics Tuebingen Variant Classification Criteria Version 2. Collection method: clinical testing. Allele origin: germline. Affected: yes. Observed: 2 variant alleles.

Literature cited by the submitters: PubMed 29724903 (cited by Molecular Pathology Research Laboratory, SA Pathology).

NM_032638.5(GATA2):c.177C>G (p.Tyr59Ter)

Gene: GATA2 (GATA binding protein 2; minus strand). Cytogenetic location: 3q21.3.
Variant type: single nucleotide variant.
Coding change: c.177C>G on transcript NM_032638.5 (MANE Select); coding-DNA position 177, C replaced by G.
Protein change: p.Tyr59Ter; replaces tyrosine 59 with a stop codon.
Molecular consequence: nonsense.
Genome position (GRCh38, 1-based): chr3:128,486,855, G>C on the plus strand (C>G on the coding strand, the complement: GATA2 is on the minus strand). VCF-style: chr3-128486855-G-C. GRCh37 (hg19) VCF-style: chr3-128205698-G-C.
Other names: c.177C>G, p.Tyr59Ter (NM_001145661.2, NM_001145662.1); short protein forms Y59*.
Identifiers: ClinVar variation 1013219 (VCV001013219.39), dbSNP rs146150325, ClinGen allele CA354408449.